The following is an entry in ClinVar:

NM_000070.3(CAPN3):c.2196del (p.Lys732fs)

Gene: CAPN3 (calpain 3; plus strand). Cytogenetic location: 15q15.1.
Variant type: Deletion.
Coding change: c.2196del on transcript NM_000070.3 (MANE Select); coding-DNA position 2196, one base deleted (A; older notation c.2196delA).
Protein change: p.Lys732fs; shifts the reading frame from lysine 732.
Molecular consequence: frameshift variant.
Genome position (GRCh38, 1-based): chr15:42,410,599, A deleted; the last of 3 consecutive A bases (chr15:42,410,597-42,410,599); deleting any one gives the same sequence. VCF-style (leftmost placement, unchanged base first): chr15-42410596-CA-C. GRCh37 (hg19) VCF-style: chr15-42702794-CA-C.
Other names: c.2178del, p.Lys726fs (NM_024344.2); c.1920del, p.Lys640fs (NM_173087.2); c.660del, p.Lys220fs (NM_173088.2); c.201del, p.Lys67fs (NM_173089.2, NM_173090.2); short protein forms K220fs, K640fs, K67fs, K726fs, K732fs.
Identifiers: ClinVar variation 5016132 (VCV005016132.1).

ClinVar aggregate classification (germline): Pathogenic (1 of 4 stars; one submission).

Conditions:
Autosomal recessive limb-girdle muscular dystrophy type 2A (LGMDR1). Also called: LEYDEN-MOEBIUS MUSCULAR DYSTROPHY; MUSCULAR DYSTROPHY, PELVOFEMORAL; Limb-girdle muscular dystrophy, type 2A; Calpainopathy; Muscular dystrophy, limb-girdle, type 2A, Amish. Identifiers: Orphanet 267, MedGen C1869123, MONDO:0009675, OMIM 253600. Disease mechanism: loss of function.

Submission:

Myriad Genetics, Inc.
Classification: Pathogenic for Autosomal recessive limb-girdle muscular dystrophy type 2A. Last evaluated: 2026-07-16. Review status: criteria provided, single submitter. Criteria: Myriad Autosomal Dominant, Autosomal Recessive and X-Linked Classification Criteria (2023). Collection method: clinical testing. Allele origin: unknown.
Comment: NM_000070.2(CAPN3):c.2196delA(K732Nfs*44) is expected to be pathogenic in the context of calpainopathy. This variant is predicted to lead to an abnormal or absent protein product due to the creation of a premature termination codon in CAPN3, a gene where loss-of-function variants are known to be pathogenic. Please note: this variant was assessed in the context of healthy population screening.